The following is an entry in ClinVar:

NM_000051.4(ATM):c.3044_3045del (p.Gln1015fs)

Gene: ATM (ATM serine/threonine kinase; plus strand). Cytogenetic location: 11q22.3.
Variant type: Deletion.
Coding change: c.3044_3045del on transcript NM_000051.4 (MANE Select); coding-DNA positions 3044 to 3045, 2 bases deleted (AA; older notation c.3044_3045delAA).
Protein change: p.Gln1015fs; shifts the reading frame from glutamine 1015.
Molecular consequence: frameshift variant.
Genome position (GRCh38, 1-based): chr11:108,271,373-108,271,374, AA deleted. VCF-style (leftmost placement, unchanged base first): chr11-108271372-CAA-C. GRCh37 (hg19) VCF-style: chr11-108142099-CAA-C.
Other names: c.3044_3045delAA (NM_000051.3); c.3044_3045del, p.Gln1015fs (NM_001351834.2); short protein forms Q1015fs.
Identifiers: ClinVar variation 524325 (VCV000524325.5), dbSNP rs1555085217, ClinGen allele CA658797790.

ClinVar aggregate classification (germline): Pathogenic (1 of 4 stars; one submission).

Conditions:
Ataxia-telangiectasia syndrome (AT). Also called: ATAXIA-TELANGIECTASIA, COMPLEMENTATION GROUP A; ATAXIA-TELANGIECTASIA, FRESNO VARIANT; Ataxia-telangiectasia; Ataxia-telangiectasia, complementation group D; AT, COMPLEMENTATION GROUP C; Ataxia-telangiectasia, complementation group E. Identifiers: Orphanet 100, MedGen C0004135, MONDO:0008840, OMIM 208900.

Submission:

Labcorp Genetics (formerly Invitae), Labcorp
Classification: Pathogenic for Ataxia-telangiectasia syndrome. Last evaluated: 2017-08-01. Review status: criteria provided, single submitter. Criteria: Invitae Variant Classification Sherloc (09022015). Collection method: clinical testing. Allele origin: germline.
Comment: For these reasons, this variant has been classified as Pathogenic. Loss-of-function variants in ATM are known to be pathogenic (PMID: 23807571, 25614872). This variant has not been reported in the literature in individuals with ATM-related disease. This variant is not present in population databases (ExAC no frequency). This sequence change creates a premature translational stop signal (p.Gln1015Argfs*32) in the ATM gene. It is expected to result in an absent or disrupted protein product.

Literature cited by the submitters: PubMed 23807571; PubMed 25614872.